The following is an entry in ClinVar:

NM_194248.3(OTOF):c.1803+2T>C

Gene: OTOF (otoferlin; minus strand). Cytogenetic location: 2p23.3.
Variant type: single nucleotide variant.
Coding change: c.1803+2T>C on transcript NM_194248.3 (MANE Select); the canonical splice donor site of the intron after coding-DNA position 1803, T replaced by C.
Molecular consequence: splice donor variant.
Genome position (GRCh38, 1-based): chr2:26,480,784, A>G on the plus strand (T>C on the coding strand, the complement: OTOF is on the minus strand). VCF-style: chr2-26480784-A-G. GRCh37 (hg19) VCF-style: chr2-26703652-A-G.
Other names: c.1803+2T>C (NM_001287489.2).
Identifiers: ClinVar variation 4879959 (VCV004879959.1).

ClinVar aggregate classification (germline): Likely pathogenic (0 of 4 stars; one submission).

Conditions:
Autosomal recessive nonsyndromic hearing loss 9. Also called: NEUROSENSORY NONSYNDROMIC RECESSIVE DEAFNESS 9; OTOF-Related Hearing Loss; Deafness, autosomal recessive 9; AUDITORY NEUROPATHY, AUTOSOMAL RECESSIVE, 1, TEMPERATURE-SENSITIVE. Identifiers: Orphanet 90636, MedGen C1832828, MONDO:0010986, OMIM 601071.

Submission:

Diagnosis and Treatment Center of Genetic Hearing Loss, Eye & ENT Hospital of Fudan University
Classification: Likely pathogenic for Autosomal recessive nonsyndromic hearing loss 9. Last evaluated: 2026-02-04. Review status: no assertion criteria provided. Collection method: clinical testing. Allele origin: germline. Inheritance: Autosomal recessive inheritance. Affected: yes.
Comment: The c.1803+2T>C splice donor variant in OTOF is predicted to disrupt splicing (PVS1). It is absent from population databases (PM2_Supporting).